The following is an entry in ClinVar:

NM_000318.3(PEX2):c.437T>C (p.Leu146Ser)

Gene: PEX2 (peroxisomal biogenesis factor 2; minus strand). Cytogenetic location: 8q21.13.
Variant type: single nucleotide variant.
Coding change: c.437T>C on transcript NM_000318.3 (MANE Select); coding-DNA position 437, T replaced by C.
Protein change: p.Leu146Ser; replaces leucine 146 with serine.
Molecular consequence: missense variant.
Genome position (GRCh38, 1-based): chr8:76,983,742, A>G on the plus strand (T>C on the coding strand, the complement: PEX2 is on the minus strand). VCF-style: chr8-76983742-A-G. GRCh37 (hg19) VCF-style: chr8-77895978-A-G.
Other names: c.437T>C, p.Leu146Ser (NM_001079867.2, NM_001172086.2, NM_001172087.2); c.437T>C (NM_000318.2); short protein forms L146S.
Identifiers: ClinVar variation 2202209 (VCV002202209.3), dbSNP rs745356886, ClinGen allele CA4788712.
Genomic context (GRCh38, chr8:76,983,742, plus strand): 5'-AAAGTTGCAAACTTTCCCCTCTGAAGGAAAATCAAAAAATTAATCAGCCCACCTAATTTC[A>G]AAAGTCCAATCACAAAATTCACACACTGCTTGACTTTCCCAAATGATGCTAAATGATGGT-3'
Protein context (NP_000309.2, residues 136-156): KQCVNFVIGL[Leu146Ser]KLGGLINFLI

ClinVar aggregate classification (germline): Uncertain significance. Review status: criteria provided, multiple submitters, no conflicts (2 of 4 stars). 2 submissions from 2 submitters: Uncertain significance (2). Last evaluated 2023-05-23.

Conditions:
Inborn genetic diseases. Identifiers: MedGen C0950123, MeSH D030342.
Peroxisome biogenesis disorder 5A (Zellweger) (PBD5A). Identifiers: Orphanet 912, MedGen C3553940, MONDO:0013932, OMIM 614866.

Allele frequency attached by ClinVar (database versions not stated): TOPMed 0.00001; gnomAD 0.00003; gnomAD exomes 0.00003; ExAC 0.00004.
gnomAD v4.1: 44 of 1,613,940 alleles (0.0027%); highest among the groups gnomAD compares: Non-Finnish European, 0.0036%; no homozygotes.

Submissions (2):

Ambry Genetics
Classification: Uncertain significance for Inborn genetic diseases. Last evaluated: 2023-05-23. Review status: criteria provided, single submitter. Criteria: Ambry Variant Classification Scheme 2023. Collection method: clinical testing. Allele origin: germline.

Labcorp Genetics (formerly Invitae), Labcorp
Classification: Uncertain significance for Peroxisome biogenesis disorder 5A (Zellweger). Last evaluated: 2022-08-09. Review status: criteria provided, single submitter. Criteria: Invitae Variant Classification Sherloc (09022015). Collection method: clinical testing. Allele origin: germline.
Comment: This sequence change replaces leucine, which is neutral and non-polar, with serine, which is neutral and polar, at codon 146 of the PEX2 protein (p.Leu146Ser). This variant is present in population databases (rs745356886, gnomAD 0.009%). This variant has not been reported in the literature in individuals affected with PEX2-related conditions. Algorithms developed to predict the effect of missense changes on protein structure and function (SIFT, PolyPhen-2, Align-GVGD) all suggest that this variant is likely to be tolerated. In summary, the available evidence is currently insufficient to determine the role of this variant in disease. Therefore, it has been classified as a Variant of Uncertain Significance.